The following is an entry in ClinVar:

NM_004415.4(DSP):c.2270A>G (p.Asn757Ser)

Gene: DSP (desmoplakin; plus strand). Cytogenetic location: 6p24.3.
Variant type: single nucleotide variant.
Coding change: c.2270A>G on transcript NM_004415.4 (MANE Select); coding-DNA position 2270, A replaced by G.
Protein change: p.Asn757Ser; replaces asparagine 757 with serine.
Molecular consequence: missense variant.
Genome position (GRCh38, 1-based): chr6:7,574,225, A>G. VCF-style: chr6-7574225-A-G. GRCh37 (hg19) VCF-style: chr6-7574458-A-G.
Other names: c.2270A>G, p.Asn757Ser (NM_001008844.3, NM_001319034.2); c.2270A>G (NM_004415.3); short protein forms N757S.
Identifiers: ClinVar variation 923378 (VCV000923378.13), dbSNP rs372354883, ClinGen allele CA133962032.

ClinVar aggregate classification (germline): Conflicting classifications of pathogenicity. Review status: criteria provided, conflicting classifications (1 of 4 stars). 4 submissions from 4 submitters: Uncertain significance (3); Likely benign (1). Last evaluated 2026-08-20.

Conditions:
Cardiomyopathy (CMYO). Also called: Cardiomyopathies. Identifiers: Orphanet 167848, MedGen C0878544, MONDO:0004994, HP:0001638. Inheritance: Various modes of inheritance.
Arrhythmogenic cardiomyopathy with wooly hair and keratoderma. Also called: PALMOPLANTAR KERATODERMA WITH LEFT VENTRICULAR CARDIOMYOPATHY AND WOOLLY HAIR; Dilated cardiomyopathy with woolly hair and keratoderma; Arrhythmogenic cardiomyopathy with woolly hair and keratoderma; Carvajal syndrome. Identifiers: Orphanet 65282, MedGen C1854063, MONDO:0011581, OMIM 605676.
Arrhythmogenic right ventricular dysplasia 8 (ARVD8). Also called: Arrhythmogenic Right Ventricular Dysplasia/Cardiomyopathy 8; ARRHYTHMOGENIC RIGHT VENTRICULAR DYSPLASIA, FAMILIAL, 8; ARRHYTHMOGENIC RIGHT VENTRICULAR CARDIOMYOPATHY 8. Identifiers: MedGen C1843896, MONDO:0011831, OMIM 607450.
Cardiovascular phenotype. Identifiers: MedGen CN230736.
DSP-related disorder. Also called: DSP-related disorders; DSP-related condition.

Allele frequency attached by ClinVar (database versions not stated): gnomAD exomes 0.00001 and below 0.00001; TOPMed 0.00001; gnomAD 0.00001.
gnomAD v4.1: 14 of 1,613,850 alleles (0.00087%); highest among the groups gnomAD compares: Middle Eastern, 0.017%; no homozygotes.

Submissions (4):

PreventionGenetics, part of Exact Sciences
Classification: Uncertain significance for DSP-related condition. Last evaluated: 2026-08-20. Review status: criteria provided, single submitter. Criteria: ACMG Guidelines, 2015. Collection method: clinical testing. Allele origin: germline.
Comment: The DSP c.2270A>G variant is predicted to result in the amino acid substitution p.Asn757Ser. To our knowledge, this variant has not been reported in the literature. This variant is reported in 0.0050% of alleles in individuals of East Asian descent in gnomAD. At this time, the clinical significance of this variant is uncertain due to the absence of conclusive functional and genetic evidence.

Ambry Genetics
Classification: Uncertain significance for Cardiovascular phenotype. Last evaluated: 2026-06-22. Review status: criteria provided, single submitter. Criteria: Ambry Variant Classification Scheme 2023. Collection method: clinical testing. Allele origin: germline.
Comment: The p.N757S variant (also known as c.2270A>G), located in coding exon 16 of the DSP gene, results from an A to G substitution at nucleotide position 2270. The asparagine at codon 757 is replaced by serine, an amino acid with highly similar properties. This amino acid position is highly conserved in available vertebrate species. In addition, this alteration is predicted to be tolerated by in silico analysis. Based on the available evidence, the clinical significance of this variant remains unclear.

Labcorp Genetics (formerly Invitae), Labcorp
Classification: Likely benign for Arrhythmogenic cardiomyopathy with wooly hair and keratoderma; Arrhythmogenic right ventricular dysplasia 8. Last evaluated: 2025-09-27. Review status: criteria provided, single submitter. Criteria: Invitae Variant Classification Sherloc (09022015). Collection method: clinical testing. Allele origin: germline.

Color Diagnostics, LLC DBA Color Health
Classification: Uncertain significance for Cardiomyopathy. Last evaluated: 2019-10-23. Review status: criteria provided, single submitter. Criteria: ACMG Guidelines, 2015. Collection method: clinical testing. Allele origin: germline.
Comment: This missense variant replaces asparagine with serine at codon 757 of the DSP protein. Computational prediction suggests that this variant may not impact protein structure and function (internally defined REVEL score threshold <= 0.5, PMID: 27666373). Splice site prediction tools suggest that this variant may not impact RNA splicing. To our knowledge, functional studies have not been performed for this variant. This variant has not been reported in individuals affected with cardiovascular disorders in the literature. This variant has been identified in 3/282634 chromosomes in the general population by the Genome Aggregation Database (gnomAD). The available evidence is insufficient to determine the role of this variant in disease conclusively. Therefore, this variant is classified as a Variant of Uncertain Significance.